The following is an entry in ClinVar:

NM_000182.5(HADHA):c.80G>T (p.Arg27Leu)

Gene: HADHA (hydroxyacyl-CoA dehydrogenase trifunctional multienzyme complex subunit alpha; minus strand). Cytogenetic location: 2p23.3.
Variant type: single nucleotide variant.
Coding change: c.80G>T on transcript NM_000182.5 (MANE Select); coding-DNA position 80, G replaced by T.
Protein change: p.Arg27Leu; replaces arginine 27 with leucine.
Molecular consequence: missense variant.
Genome position (GRCh38, 1-based): chr2:26,239,131, C>A on the plus strand (G>T on the coding strand, the complement: HADHA is on the minus strand). VCF-style: chr2-26239131-C-A. GRCh37 (hg19) VCF-style: chr2-26461999-C-A.
Other names: short protein forms R27L.
Identifiers: ClinVar variation 833917 (VCV000833917.47), dbSNP rs200145855, ClinGen allele CA1559986.

ClinVar aggregate classification (germline): Conflicting classifications of pathogenicity. Review status: criteria provided, conflicting classifications (1 of 4 stars). 5 submissions from 5 submitters: Uncertain significance (3); Likely benign (1). 1 of the submissions does not count toward it. Last evaluated 2025-07-03.

Conditions:
Long chain 3-hydroxyacyl-CoA dehydrogenase deficiency. Also called: Deficiency of long-chain 3-hydroxyacyl-coenzyme A dehydrogenase; LCHAD Deficiency. Identifiers: Orphanet 5, MedGen C3711645, MONDO:0012173, OMIM 609016.
Mitochondrial trifunctional protein deficiency. Identifiers: Orphanet 746, MedGen C1969443, MONDO:0012172.
Inborn genetic diseases. Identifiers: MedGen C0950123, MeSH D030342.

Allele frequency attached by ClinVar (database versions not stated): TOPMed 0.00007; 1000 Genomes Project 0.00020; 1000 Genomes Project 30x 0.00031.
gnomAD v4.1: 85 of 1,605,020 alleles (0.0053%); highest among the groups gnomAD compares: South Asian, 0.04%; no homozygotes.

Submissions (5):

GeneDx
Classification: Uncertain significance. Last evaluated: 2025-07-03. Review status: criteria provided, single submitter. Criteria: GeneDx Variant Classification Process June 2021. Collection method: clinical testing. Allele origin: germline. Affected: yes.
Comment: Reported previously as a variant of uncertain significance in a patient with low serum calcium, nephrolithiasis, and one episode of seizure; however, the patient also harbored a VUS in the CASR gene (PMID: 37654565); In silico analysis suggests that this missense variant does not alter protein structure/function; This variant is associated with the following publications: (PMID: 37654565)

Labcorp Genetics (formerly Invitae), Labcorp
Classification: Likely benign for Mitochondrial trifunctional protein deficiency; Long chain 3-hydroxyacyl-CoA dehydrogenase deficiency. Last evaluated: 2025-06-17. Review status: criteria provided, single submitter. Criteria: Invitae Variant Classification Sherloc (09022015). Collection method: clinical testing. Allele origin: germline.

Ambry Genetics
Classification: Uncertain significance for Inborn genetic diseases. Last evaluated: 2024-10-20. Review status: criteria provided, single submitter. Criteria: Ambry Variant Classification Scheme 2023. Collection method: clinical testing. Allele origin: germline.

CeGaT Center for Human Genetics Tuebingen
Classification: Uncertain significance. Last evaluated: 2021-09-01. Review status: criteria provided, single submitter. Criteria: CeGaT Center For Human Genetics Tuebingen Variant Classification Criteria Version 2. Collection method: clinical testing. Allele origin: germline. Affected: yes. Observed: 1 variant allele.

Natera, Inc.
Classification: Uncertain significance for Deficiency of long-chain 3-hydroxyacyl-coenzyme A dehydrogenase. Last evaluated: 2020-02-13. Review status: no assertion criteria provided. Collection method: clinical testing. Allele origin: germline. Not counted in ClinVar's aggregate classification.